The following is an entry in ClinVar:

ClinVar aggregate classification (germline): Likely benign. Review status: criteria provided, multiple submitters, no conflicts (2 of 4 stars). 3 submissions from 3 submitters: Likely benign (3). Last evaluated 2025-09-08.

Conditions:
SPTLC2-related disorder. Also called: SPTLC2-related condition.
Inborn genetic diseases. Identifiers: MedGen C0950123, MeSH D030342.
Neuropathy, hereditary sensory and autonomic, type 1C. Also called: HSAN IC; HSN IC. Identifiers: Orphanet 36386, MedGen C3150896, MONDO:0013337, OMIM 613640.

Allele frequency attached by ClinVar (database versions not stated): gnomAD 0.00007 and 0.00008; ExAC 0.00009; TOPMed 0.00012.

Submissions (3):

Labcorp Genetics (formerly Invitae), Labcorp
Classification: Likely benign for Neuropathy, hereditary sensory and autonomic, type 1C. Last evaluated: 2025-09-08. Review status: criteria provided, single submitter. Criteria: Invitae Variant Classification Sherloc (09022015). Collection method: clinical testing. Allele origin: germline.

PreventionGenetics, part of Exact Sciences
Classification: Likely benign for SPTLC2-related condition. Last evaluated: 2025-06-02. Review status: criteria provided, single submitter. Criteria: ACMG Guidelines, 2015. Collection method: clinical testing. Allele origin: germline.
Comment: This variant is classified as likely benign based on ACMG/AMP sequence variant interpretation guidelines (Richards et al. 2015 PMID: 25741868, with internal and published modifications).

Ambry Genetics
Classification: Likely benign for Inborn genetic diseases. Last evaluated: 2021-10-05. Review status: criteria provided, single submitter. Criteria: Ambry Variant Classification Scheme 2023. Collection method: clinical testing. Allele origin: germline.

NM_004863.4(SPTLC2):c.99C>A (p.Ser33Arg)

Gene: SPTLC2 (serine palmitoyltransferase long chain base subunit 2; minus strand). Cytogenetic location: 14q24.3.
Variant type: single nucleotide variant.
Coding change: c.99C>A on transcript NM_004863.4 (MANE Select); coding-DNA position 99, C replaced by A.
Protein change: p.Ser33Arg; replaces serine 33 with arginine.
Molecular consequence: missense variant.
Genome position (GRCh38, 1-based): chr14:77,616,481, G>T on the plus strand (C>A on the coding strand, the complement: SPTLC2 is on the minus strand). VCF-style: chr14-77616481-G-T. GRCh37 (hg19) VCF-style: chr14-78082824-G-T.
Other names: short protein forms S33R.
Identifiers: ClinVar variation 487158 (VCV000487158.11), dbSNP rs763621248, ClinGen allele CA7289521.